The following is an entry in ClinVar:

NM_002241.5(KCNJ10):c.729C>T (p.Ala243=)

Gene: KCNJ10 (potassium inwardly rectifying channel subfamily J member 10; minus strand). Cytogenetic location: 1q23.2.
Variant type: single nucleotide variant.
Coding change: c.729C>T on transcript NM_002241.5 (MANE Select); coding-DNA position 729, C replaced by T.
Protein change: p.Ala243=; no amino-acid change (alanine 243 retained).
Molecular consequence: synonymous variant.
Genome position (GRCh38, 1-based): chr1:160,041,804, G>A on the plus strand (C>T on the coding strand, the complement: KCNJ10 is on the minus strand). VCF-style: chr1-160041804-G-A. GRCh37 (hg19) VCF-style: chr1-160011594-G-A.
Identifiers: ClinVar variation 681117 (VCV000681117.9), dbSNP rs756703582, ClinGen allele CA1193209.

ClinVar aggregate classification (germline): Likely benign. Review status: criteria provided, multiple submitters, no conflicts (2 of 4 stars). 2 submissions from 2 submitters: Likely benign (2). Last evaluated 2023-07-14.

Conditions:
EAST syndrome (SESAMES). Also called: SEIZURES, SENSORINEURAL DEAFNESS, ATAXIA, IMPAIRED INTELLECTUAL DEVELOPMENT, AND ELECTROLYTE IMBALANCE. Identifiers: Orphanet 199343, MedGen C2748572, MONDO:0013005, OMIM 612780.

Allele frequency attached by ClinVar (database versions not stated): ExAC 0.00002; gnomAD exomes 0.00002; TOPMed 0.00002.

Submissions (2):

Labcorp Genetics (formerly Invitae), Labcorp
Classification: Likely benign for EAST syndrome. Last evaluated: 2023-07-14. Review status: criteria provided, single submitter. Criteria: Invitae Variant Classification Sherloc (09022015). Collection method: clinical testing. Allele origin: germline.

GeneDx
Classification: Likely benign. Last evaluated: 2018-03-27. Review status: criteria provided, single submitter. Criteria: GeneDx Variant Classification (06012015). Collection method: clinical testing. Allele origin: germline. Affected: yes.
Comment: This variant is considered likely benign or benign based on one or more of the following criteria: it is a conservative change, it occurs at a poorly conserved position in the protein, it is predicted to be benign by multiple in silico algorithms, and/or has population frequency not consistent with disease.